The following is an entry in ClinVar:

ClinVar aggregate classification (germline): Benign/Likely benign. Review status: criteria provided, multiple submitters, no conflicts (2 of 4 stars). 10 submissions from 10 submitters: Benign (3); Likely benign (3). 4 of the submissions do not count toward it. Last evaluated 2026-01-20.

Conditions:
ABCB7-related disorder. Also called: ABCB7-related condition.
X-linked sideroblastic anemia with ataxia (SCAX6). Also called: SPINOCEREBELLAR ATAXIA, X-LINKED 6, WITH OR WITHOUT SIDEROBLASTIC ANEMIA. Identifiers: Orphanet 2802, MedGen C1845028, MONDO:0010524, OMIM 301310.

Allele frequency attached by ClinVar (database versions not stated): 1000 Genomes Project 30x 0.00125; 1000 Genomes Project 0.00132; TOPMed 0.00232; gnomAD exomes 0.00236 and 0.00377; ExAC 0.00245; gnomAD 0.00269 and 0.00272; ESP Exome Variant Server 0.00275.
gnomAD v4.1: 4,386 of 1,207,153 alleles (0.36%); highest among the groups gnomAD compares: Non-Finnish European, 0.45%; 3 homozygotes.

Submissions (10):

Labcorp Genetics (formerly Invitae), Labcorp
Classification: Likely benign. Last evaluated: 2026-01-20. Review status: criteria provided, single submitter. Criteria: Invitae Variant Classification Sherloc (09022015). Collection method: clinical testing. Allele origin: germline.

Blueprint Genetics
Classification: Likely benign. Last evaluated: 2024-11-27. Review status: criteria provided, single submitter. Criteria: ACMG Guidelines, 2015. Collection method: clinical testing. Allele origin: germline.

Genome-Nilou Lab
Classification: Benign for X-linked sideroblastic anemia with ataxia. Last evaluated: 2021-05-18. Review status: criteria provided, single submitter. Criteria: ACMG Guidelines, 2015. Collection method: clinical testing. Allele origin: germline. Affected: no.

Illumina Laboratory Services, Illumina
Classification: Benign for X-linked sideroblastic anemia with ataxia. Last evaluated: 2018-01-12. Review status: criteria provided, single submitter. Criteria: ICSL Variant Classification Criteria 13 December 2019. Collection method: clinical testing. Allele origin: germline.
Comment: This variant was observed in the ICSL laboratory as part of a predisposition screen in an ostensibly healthy population. It had not been previously curated by ICSL or reported in the Human Gene Mutation Database (HGMD: prior to June 1st, 2018), and was therefore a candidate for classification through an automated scoring system. Utilizing variant allele frequency, disease prevalence and penetrance estimates, and inheritance mode, an automated score was calculated to assess if this variant is too frequent to cause the disease. Based on the score and internal cut-off values, a variant classified as benign is not then subjected to further curation. The score for this variant resulted in a classification of benign for this disease.

GeneDx
Classification: Benign. Last evaluated: 2013-12-02. Review status: criteria provided, single submitter. Criteria: GeneDx Variant Classification (06012015). Collection method: clinical testing. Allele origin: germline. Affected: yes.
Comment: This variant is considered likely benign or benign based on one or more of the following criteria: it is a conservative change, it occurs at a poorly conserved position in the protein, it is predicted to be benign by multiple in silico algorithms, and/or has population frequency not consistent with disease.

Breakthrough Genomics
Classification: Likely benign. Review status: criteria provided, single submitter. Criteria: ACMG Guidelines, 2015. Collection method: not provided. Allele origin: germline. Inheritance: X-linked inheritance. Affected: yes.

PreventionGenetics, part of Exact Sciences
Classification: Benign for ABCB7-related condition. Last evaluated: 2020-12-15. Review status: no assertion criteria provided. Collection method: clinical testing. Allele origin: germline. Not counted in ClinVar's aggregate classification.
Comment: This variant is classified as benign based on ACMG/AMP sequence variant interpretation guidelines (Richards et al. 2015 PMID: 25741868, with internal and published modifications).

Mayo Clinic Laboratories, Mayo Clinic
Classification: Benign. Last evaluated: 2017-07-13. Review status: no assertion criteria provided. Collection method: clinical testing. Allele origin: unknown. Not counted in ClinVar's aggregate classification.

Clinical Genetics DNA and cytogenetics Diagnostics Lab, Erasmus MC, Erasmus Medical Center
Classification: Likely benign. Review status: no assertion criteria provided. Collection method: clinical testing. Allele origin: germline. Affected: yes. Study: VKGL Data-share Consensus. Not counted in ClinVar's aggregate classification.

Laboratory of Diagnostic Genome Analysis, Leiden University Medical Center (LUMC)
Classification: Likely benign. Review status: no assertion criteria provided. Collection method: clinical testing. Allele origin: germline. Affected: yes. Study: VKGL Data-share Consensus. Not counted in ClinVar's aggregate classification.

NM_001271696.3(ABCB7):c.938G>A (p.Arg313Gln)

Gene: ABCB7 (ATP binding cassette subfamily B member 7; minus strand). Cytogenetic location: Xq13.3.
Variant type: single nucleotide variant.
Coding change: c.938G>A on transcript NM_001271696.3 (MANE Select); coding-DNA position 938, G replaced by A.
Protein change: p.Arg313Gln; replaces arginine 313 with glutamine.
Molecular consequence: missense variant.
Genome position (GRCh38, 1-based): chrX:75,073,874, C>T on the plus strand (G>A on the coding strand, the complement: ABCB7 is on the minus strand). VCF-style: chrX-75073874-C-T. GRCh37 (hg19) VCF-style: chrX-74293709-C-T.
Other names: p.R314Q:CGG>CAG; c.818G>A, p.Arg273Gln (NM_001271697.3); c.860G>A, p.Arg287Gln (NM_001271698.3); c.821G>A, p.Arg274Gln (NM_001271699.3); c.941G>A, p.Arg314Gln (NM_004299.6); short protein forms R314Q, R313Q, R273Q, R274Q, R287Q.
Identifiers: ClinVar variation 136243 (VCV000136243.27), dbSNP rs147584361, ClinGen allele CA289223.